The following is an entry in ClinVar:

ClinVar aggregate classification (germline): Conflicting classifications of pathogenicity. Review status: criteria provided, conflicting classifications (1 of 4 stars). 5 submissions from 5 submitters: Likely pathogenic (1); Uncertain significance (3). 1 of the submissions does not count toward it. Last evaluated 2026-02-06.

Conditions:
Patterned dystrophy of the retinal pigment epithelium (MDPT1). Identifiers: Orphanet 63454, MedGen C1868569, MONDO:0018973.
PRPH2-related disorder. Also called: PRPH2-related condition; PRPH2-related disorders. Identifiers: MedGen CN239395.

Allele frequency attached by ClinVar (database versions not stated): gnomAD 0.00001; gnomAD exomes 0.00002; TOPMed 0.00002; ExAC 0.00003.
gnomAD v4.1: 31 of 1,614,114 alleles (0.0019%); highest among the groups gnomAD compares: Non-Finnish European, 0.0024%; no homozygotes.

Submissions (5):

PreventionGenetics, part of Exact Sciences
Classification: Uncertain significance for PRPH2-related condition. Last evaluated: 2026-02-06. Review status: criteria provided, single submitter. Criteria: ACMG Guidelines, 2015. Collection method: clinical testing. Allele origin: germline.
Comment: The PRPH2 c.649A>G variant is predicted to result in the amino acid substitution p.Ser217Gly. This variant has been reported with uncertain significance in individuals with retinal disease (Table S1, Reeves et al. 2020. PubMed ID: 32531846; Table S2, Peeters et al. 2021. PubMed ID: 34411390; Table S1, Weisschuh et al. 2024. PubMed ID: 37734845). This variant is present in 0.0062% of alleles in individuals of African descent in gnomAD. Although we suspect that this variant may be pathogenic, at this time, the clinical significance of this variant is uncertain due to the absence of conclusive functional and genetic evidence.

Labcorp Genetics (formerly Invitae), Labcorp
Classification: Likely pathogenic for PRPH2-related disorder. Last evaluated: 2025-10-03. Review status: criteria provided, single submitter. Criteria: Invitae Variant Classification Sherloc (09022015). Collection method: clinical testing. Allele origin: germline.
Comment: This sequence change replaces serine, which is neutral and polar, with glycine, which is neutral and non-polar, at codon 217 of the PRPH2 protein (p.Ser217Gly). This variant is present in population databases (rs767471467, gnomAD 0.007%). This missense change has been observed in individuals with autosomal dominant PRPH2-related conditions (PMID: 32531846; internal data). ClinVar contains an entry for this variant (Variation ID: 356777). Invitae Evidence Modeling of protein sequence and biophysical properties (such as structural, functional, and spatial information, amino acid conservation, physicochemical variation, residue mobility, and thermodynamic stability) has been performed for this missense variant. However, the output from this modeling did not meet the statistical confidence thresholds required to predict the impact of this variant on PRPH2 protein function. In summary, the currently available evidence indicates that the variant is pathogenic, but additional data are needed to prove that conclusively. Therefore, this variant has been classified as Likely Pathogenic.

Blueprint Genetics
Classification: Uncertain significance. Last evaluated: 2020-12-09. Review status: criteria provided, single submitter. Criteria: ACMG Guidelines, 2015. Collection method: clinical testing. Allele origin: germline.

NEI Ophthalmic Genomics Laboratory, National Institutes of Health
Classification: Uncertain significance for Patterned dystrophy of the retinal pigment epithelium. Last evaluated: 2020-01-07. Review status: criteria provided, single submitter. Criteria: ACMG Guidelines, 2015. Collection method: clinical testing. Allele origin: germline. Affected: yes.
Comment: The variant NM_000322.4:c.649A>G in the PRPH2 gene has not been reported to our knowledge . This variant is listed in dbSNP and/or HGMD (rs767471467). It is present in gnomAD browser (AF 0.0000203). It is not enriched in the PRPH2 disease cohort. We invoked ACMG criteria [PM1, PM2, PP3] and classified NM_000322.4:c.649A>G in the PRPH2 gene as a Variant of Uncertain Significance.

Leiden Open Variation Database
Classification: Uncertain significance. Last evaluated: 2021-04-06. Review status: no assertion criteria provided. Collection method: curation. Allele origin: germline. Affected: yes. Not counted in ClinVar's aggregate classification.
Comment: Curator: Global Variome, with Curator vacancy. Submitter to LOVD: Manon Peeters.

Literature cited by the submitters: PubMed 32531846 (cited by Labcorp Genetics (formerly Invitae), Labcorp and Leiden Open Variation Database).

NM_000322.5(PRPH2):c.649A>G (p.Ser217Gly)

Gene: PRPH2 (peripherin 2; minus strand). Cytogenetic location: 6p21.1.
Variant type: single nucleotide variant.
Coding change: c.649A>G on transcript NM_000322.5 (MANE Select); coding-DNA position 649, A replaced by G.
Protein change: p.Ser217Gly; replaces serine 217 with glycine.
Molecular consequence: missense variant.
Genome position (GRCh38, 1-based): chr6:42,704,544, T>C on the plus strand (A>G on the coding strand, the complement: PRPH2 is on the minus strand). VCF-style: chr6-42704544-T-C. GRCh37 (hg19) VCF-style: chr6-42672282-T-C.
Other names: short protein forms S217G.
Identifiers: ClinVar variation 356777 (VCV000356777.15), dbSNP rs767471467, ClinGen allele CA3808563.